The following is an entry in ClinVar:

NM_001003787.4(STRADA):c.619G>C (p.Gly207Arg)

Gene: STRADA (STE20 related adaptor alpha; minus strand). Cytogenetic location: 17q23.3.
Variant type: single nucleotide variant.
Coding change: c.619G>C on transcript NM_001003787.4 (MANE Select); coding-DNA position 619, G replaced by C.
Protein change: p.Gly207Arg; replaces glycine 207 with arginine.
Molecular consequence: missense variant.
Genome position (GRCh38, 1-based): chr17:63,707,381, C>G on the plus strand (G>C on the coding strand, the complement: STRADA is on the minus strand). VCF-style: chr17-63707381-C-G. GRCh37 (hg19) VCF-style: chr17-61784741-C-G.
Other names: c.508G>C, p.Gly170Arg (NM_001003786.3, NM_001363789.1, NM_153335.6); c.445G>C, p.Gly149Arg (NM_001003788.3, NM_001363790.1, NM_001363791.1); c.532G>C, p.Gly178Arg (NM_001165969.2, NM_001363787.1); c.487G>C, p.Gly163Arg (NM_001165970.2); c.595G>C, p.Gly199Arg (NM_001363786.1); c.619G>C, p.Gly207Arg (NM_001363788.1); short protein forms G207R, G178R, G149R, G170R, G199R, G163R.
Identifiers: ClinVar variation 536759 (VCV000536759.6), dbSNP rs745739301, ClinGen allele CA8703324.

ClinVar aggregate classification (germline): Uncertain significance (1 of 4 stars; one submission).

Conditions:
Polyhydramnios, megalencephaly, and symptomatic epilepsy (PMSE). Also called: PMSE SYNDROME. Identifiers: Orphanet 500533, MedGen C1970203, MONDO:0012611, OMIM 611087.

Allele frequency attached by ClinVar (database versions not stated): ExAC 0.00002; TOPMed 0.00002.
gnomAD v4.1: 5 of 1,614,154 alleles (0.00031%); highest among the groups gnomAD compares: East Asian, 0.0089%; no homozygotes.

Submission:

Labcorp Genetics (formerly Invitae), Labcorp
Classification: Uncertain significance for Polyhydramnios, megalencephaly, and symptomatic epilepsy. Last evaluated: 2021-08-28. Review status: criteria provided, single submitter. Criteria: Invitae Variant Classification Sherloc (09022015). Collection method: clinical testing. Allele origin: germline.
Comment: This sequence change replaces glycine with arginine at codon 207 of the STRADA protein (p.Gly207Arg). The glycine residue is highly conserved and there is a moderate physicochemical difference between glycine and arginine. This variant is present in population databases (rs745739301, ExAC 0.02%). This variant has not been reported in the literature in individuals affected with STRADA-related conditions. Algorithms developed to predict the effect of missense changes on protein structure and function are either unavailable or do not agree on the potential impact of this missense change (SIFT: "Deleterious"; PolyPhen-2: "Probably Damaging"; Align-GVGD: "Class C0"). In summary, the available evidence is currently insufficient to determine the role of this variant in disease. Therefore, it has been classified as a Variant of Uncertain Significance.